The following is an entry in ClinVar:

NM_001370259.2(MEN1):c.825-18del

Gene: MEN1 (menin 1; minus strand). Cytogenetic location: 11q13.1.
Variant type: Deletion.
Coding change: c.825-18del on transcript NM_001370259.2 (MANE Select); 18 bases into the intron before coding-DNA position 825, one base deleted (A; older notation c.825-18delA).
Molecular consequence: intron variant.
Genome position (GRCh38, 1-based): chr11:64,807,116, T deleted on the plus strand (A on the coding strand, the reverse complement: MEN1 is on the minus strand); the first of 2 consecutive T bases (chr11:64,807,116-64,807,117); deleting either gives the same sequence. VCF-style (leftmost placement, unchanged base first): chr11-64807115-AT-A. GRCh37 (hg19) VCF-style: chr11-64574587-AT-A.
Other names: c.840-18del (NM_130804.3, NM_130803.3, NM_000244.4 and 5 more transcripts); c.720-18del (NM_001407148.1, NM_001407149.1, NM_001407151.1 and 2 more transcripts); c.825-18del (NM_130799.3, NM_001407144.1, NM_001370260.2 and 7 more transcripts).
Identifiers: ClinVar variation 3773231 (VCV003773231.1).

ClinVar aggregate classification (germline): Likely benign (1 of 4 stars; one submission).

Conditions:
Multiple endocrine neoplasia, type 1 (MEN1). Also called: MEN I; WERMER SYNDROME; Endocrine adenomatosis multiple; MEN 1; MEA I. Identifiers: Orphanet 652, MedGen C0025267, MeSH D018761, MONDO:0007540, OMIM 131100.

Submission:

Myriad Genetics, Inc.
Classification: Likely benign for Multiple endocrine neoplasia, type 1. Last evaluated: 2024-11-04. Review status: criteria provided, single submitter. Criteria: Myriad Autosomal Dominant, Autosomal Recessive and X-Linked Classification Criteria (2023). Collection method: clinical testing. Allele origin: unknown.
Comment: This variant is considered likely benign. This variant is intronic and is not expected to impact mRNA splicing.